The following is an entry in ClinVar:

ClinVar aggregate classification (germline): Benign/Likely benign. Review status: criteria provided, multiple submitters, no conflicts (2 of 4 stars). 2 submissions from 2 submitters: Benign (1); Likely benign (1). Last evaluated 2024-05-01.

Allele frequency attached by ClinVar (database versions not stated): gnomAD 0.00003.
gnomAD v4.1: 79 of 1,600,136 alleles (0.0049%); highest among the groups gnomAD compares: East Asian, 0.016%; no homozygotes.

Submissions (2):

CeGaT Center for Human Genetics Tuebingen
Classification: Likely benign. Last evaluated: 2024-05-01. Review status: criteria provided, single submitter. Criteria: CeGaT Center For Human Genetics Tuebingen Variant Classification Criteria Version 2. Collection method: clinical testing. Allele origin: germline. Affected: yes. Observed: 1 variant allele.
Comment: KMT2B: BP4, BP7

Labcorp Genetics (formerly Invitae), Labcorp
Classification: Benign. Last evaluated: 2023-12-07. Review status: criteria provided, single submitter. Criteria: Invitae Variant Classification Sherloc (09022015). Collection method: clinical testing. Allele origin: germline.

NM_014727.3(KMT2B):c.3297C>T (p.Gly1099=)

Gene: KMT2B (lysine methyltransferase 2B; plus strand). Cytogenetic location: 19q13.12.
Variant type: single nucleotide variant.
Coding change: c.3297C>T on transcript NM_014727.3 (MANE Select); coding-DNA position 3297, C replaced by T.
Protein change: p.Gly1099=; no amino-acid change (glycine 1099 retained).
Molecular consequence: synonymous variant.
Genome position (GRCh38, 1-based): chr19:35,723,970, C>T. VCF-style: chr19-35723970-C-T. GRCh37 (hg19) VCF-style: chr19-36214871-C-T.
Identifiers: ClinVar variation 1926234 (VCV001926234.24), dbSNP rs756495954, ClinGen allele CA9384696.
Genomic context (GRCh38, chr19:35,723,970, plus strand): 5'-CGTCAAACAGCGACCCTCCTATGATATCTTCGAGGATTCGGATGACTCGGAGCCCGGGGG[C>T]CCCCCTGCTCCTCGGCGTCGGACCCCCCGAGAAAATGGTGCGAACTGCTTAATGCTTTCT-3'
Protein context (NP_055542.1, residues 1089-1109): FEDSDDSEPG[Gly1099=]PPAPRRRTPR